The following is an entry in ClinVar:

NM_001040142.2(SCN2A):c.2047A>G (p.Arg683Gly)

Gene: SCN2A (sodium voltage-gated channel alpha subunit 2; plus strand). Cytogenetic location: 2q24.3.
Variant type: single nucleotide variant.
Coding change: c.2047A>G on transcript NM_001040142.2 (MANE Select); coding-DNA position 2047, A replaced by G.
Protein change: p.Arg683Gly; replaces arginine 683 with glycine.
Molecular consequence: missense variant.
Genome position (GRCh38, 1-based): chr2:165,326,882, A>G. VCF-style: chr2-165326882-A-G. GRCh37 (hg19) VCF-style: chr2-166183392-A-G.
Other names: c.2047A>G, p.Arg683Gly (NM_001040143.2, NM_001371246.1, NM_001371247.1 and 1 more transcripts); short protein forms R683G.
Identifiers: ClinVar variation 1317660 (VCV001317660.2), dbSNP rs1553573071, ClinGen allele CA349029128.

ClinVar aggregate classification (germline): Uncertain significance (1 of 4 stars; one submission).

Submission:

GeneDx
Classification: Uncertain significance. Last evaluated: 2021-11-01. Review status: criteria provided, single submitter. Criteria: GeneDx Variant Classification Process June 2021. Collection method: clinical testing. Allele origin: germline. Affected: yes.
Comment: Not observed in large population cohorts (Lek et al., 2016); Missense variants in this gene are often considered pathogenic (Stenson et al., 2014); In silico analysis supports that this missense variant has a deleterious effect on protein structure/function; Has not been previously published as pathogenic or benign to our knowledge; This substitution is predicted to be in the cytoplasmic loop between the first and second homologous domains.